The following is an entry in ClinVar:

ClinVar aggregate classification (germline): Likely benign. Review status: criteria provided, single submitter (1 of 4 stars). 2 submissions from 2 submitters: Likely benign (1). 1 of the submissions does not count toward it. Last evaluated 2026-01-15.

Conditions:
COG2-related disorder. Also called: COG2-related condition.
Congenital disorder of glycosylation, type IIq. Also called: CDG IIq. Identifiers: Orphanet 435934, MedGen C4479353, MONDO:0054559, OMIM 617395.

Allele frequency attached by ClinVar (database versions not stated): gnomAD exomes 0.00005 and 0.00015; ExAC 0.00018; gnomAD 0.00048 and 0.00049; TOPMed 0.00051; 1000 Genomes Project 30x 0.00078; 1000 Genomes Project 0.00080; ESP Exome Variant Server 0.00085.
gnomAD v4.1: 157 of 1,614,082 alleles (0.0097%); highest among the groups gnomAD compares: African/African-American, 0.15%; no homozygotes.

Submissions (2):

Labcorp Genetics (formerly Invitae), Labcorp
Classification: Likely benign for Congenital disorder of glycosylation, type IIq. Last evaluated: 2026-01-15. Review status: criteria provided, single submitter. Criteria: Invitae Variant Classification Sherloc (09022015). Collection method: clinical testing. Allele origin: germline.

PreventionGenetics, part of Exact Sciences
Classification: Likely benign for COG2-related condition. Last evaluated: 2020-04-06. Review status: no assertion criteria provided. Collection method: clinical testing. Allele origin: germline. Not counted in ClinVar's aggregate classification.
Comment: This variant is classified as likely benign based on ACMG/AMP sequence variant interpretation guidelines (Richards et al. 2015 PMID: 25741868, with internal and published modifications).

NM_007357.3(COG2):c.1740C>T (p.Phe580=)

Gene: COG2 (component of oligomeric golgi complex 2; plus strand). Cytogenetic location: 1q42.2.
Variant type: single nucleotide variant.
Coding change: c.1740C>T on transcript NM_007357.3 (MANE Select); coding-DNA position 1740, C replaced by T.
Protein change: p.Phe580=; no amino-acid change (phenylalanine 580 retained).
Molecular consequence: synonymous variant.
Genome position (GRCh38, 1-based): chr1:230,688,508, C>T. VCF-style: chr1-230688508-C-T. GRCh37 (hg19) VCF-style: chr1-230824254-C-T.
Other names: c.1737C>T, p.Phe579= (NM_001145036.2); c.1740C>T (NM_007357.2).
Identifiers: ClinVar variation 1556615 (VCV001556615.10), dbSNP rs143945965, ClinGen allele CA1447852.